The following is an entry in ClinVar:

GRCh37/hg19 14q32.2-32.33(chr14:97521552-107285437)x3

Genes: ADSS1 (adenylosuccinate synthase 1; plus strand), AHNAK2 (AHNAK nucleoprotein 2; minus strand), AKT1 (AKT serine/threonine kinase 1; minus strand), AMN (amnion associated transmembrane protein; plus strand), ANKRD9 (ankyrin repeat domain 9; minus strand) and 103 more. Cytogenetic location: 14q32.2-32.33.
Variant type: copy number gain.
Change: copy number 3 (three copies instead of two) of chr14:97,521,552-107,285,437 (9.76 Mb, GRCh37 coordinates, 1-based), cytogenetic band 14q32.2-32.33.
Identifiers: ClinVar variation 4682850 (VCV004682850.1).

ClinVar aggregate classification (germline): Pathogenic (1 of 4 stars; one submission).

Submission:

Quest Diagnostics Nichols Institute San Juan Capistrano
Classification: Pathogenic. Last evaluated: 2025-06-17. Review status: criteria provided, single submitter. Criteria: ACMG/ClinGen CNV Guidelines, 2019. Collection method: clinical testing. Allele origin: unknown.
Comment: This terminal gain involves at least 73 protein-coding genes. Heterozygous duplications within and overlapping with interval have been identified in individuals with variable phenotypic presentation (Dohrn 2017, Firth 2009, Kessi 2018, Ma 2016, Villa 2016). There are no similar copy number gains of this region in the general populations of the Database of Genomic Variants. Thus, based on current medical literature and gene content, this copy number variant (CNV) is classified as pathogenic. References: Dohrn et al., J Neurochem. 2017 Dec;143(5):507-522. PMID: 28902413 Firth et al., Am J Hum Genet. 2009 Apr;84(4):524-33. PMID: 19344873 Kessi et al., Front Neurol. 2018 Nov 19:9:947. PMID: 30510536 Ma et al., Clin Genet. 2016 Nov;90(5):428-436. PMID: 26925868 Villa et al., Mol Cytogenet. 2016 Aug 5:9:60. PMID: 27499811